The following is an entry in ClinVar:

NM_014112.5(TRPS1):c.3505G>T (p.Val1169Phe)

Gene: TRPS1 (transcriptional repressor GATA binding 1; minus strand). Cytogenetic location: 8q23.3.
Variant type: single nucleotide variant.
Coding change: c.3505G>T on transcript NM_014112.5 (MANE Select); coding-DNA position 3505, G replaced by T.
Protein change: p.Val1169Phe; replaces valine 1169 with phenylalanine.
Molecular consequence: missense variant.
Genome position (GRCh38, 1-based): chr8:115,414,403, C>A on the plus strand (G>T on the coding strand, the complement: TRPS1 is on the minus strand). VCF-style: chr8-115414403-C-A. GRCh37 (hg19) VCF-style: chr8-116426631-C-A.
Other names: c.3478G>T, p.Val1160Phe (NM_001282902.3); c.3484G>T, p.Val1162Phe (NM_001282903.3); c.3466G>T, p.Val1156Phe (NM_001330599.2); c.3505G>T (NM_014112.2); short protein forms V1162F, V1160F, V1169F, V1156F.
Identifiers: ClinVar variation 2114940 (VCV002114940.6), dbSNP rs766822183, ClinGen allele CA4851480.

ClinVar aggregate classification (germline): Uncertain significance. Review status: criteria provided, multiple submitters, no conflicts (2 of 4 stars). 3 submissions from 3 submitters: Uncertain significance (3). Last evaluated 2023-12-30.

Conditions:
Inborn genetic diseases. Identifiers: MedGen C0950123, MeSH D030342.
Trichorhinophalangeal syndrome, type III (TRPS3). Also called: SUGIO-KAJII SYNDROME. Identifiers: Orphanet 77258, MedGen C1860823, OMIM 190351, MONDO:0008597.
Trichorhinophalangeal dysplasia type I (TRPS1). Also called: TRICHORHINOPHALANGEAL SYNDROME, TYPE I; TRPS I. Identifiers: Orphanet 77258, MedGen C0432233, MONDO:0008596, OMIM 190350.

Allele frequency attached by ClinVar (database versions not stated): ExAC 0.00001; gnomAD 0.00001; TOPMed 0.00002.
gnomAD v4.1: 20 of 1,613,866 alleles (0.0012%); highest among the groups gnomAD compares: South Asian, 0.0022%; no homozygotes.

Submissions (3):

Ambry Genetics
Classification: Uncertain significance for Inborn genetic diseases. Last evaluated: 2023-12-30. Review status: criteria provided, single submitter. Criteria: Ambry Variant Classification Scheme 2023. Collection method: clinical testing. Allele origin: germline.

Labcorp Genetics (formerly Invitae), Labcorp
Classification: Uncertain significance for Trichorhinophalangeal syndrome, type III; Trichorhinophalangeal dysplasia type I. Last evaluated: 2022-10-03. Review status: criteria provided, single submitter. Criteria: Invitae Variant Classification Sherloc (09022015). Collection method: clinical testing. Allele origin: germline.
Comment: In summary, the available evidence is currently insufficient to determine the role of this variant in disease. Therefore, it has been classified as a Variant of Uncertain Significance. Advanced modeling of protein sequence and biophysical properties (such as structural, functional, and spatial information, amino acid conservation, physicochemical variation, residue mobility, and thermodynamic stability) performed at Invitae indicates that this missense variant is not expected to disrupt TRPS1 protein function. This variant has not been reported in the literature in individuals affected with TRPS1-related conditions. This variant is present in population databases (rs766822183, gnomAD 0.003%). This sequence change replaces valine, which is neutral and non-polar, with phenylalanine, which is neutral and non-polar, at codon 1169 of the TRPS1 protein (p.Val1169Phe).

Department of Pathology and Laboratory Medicine, Sinai Health System
Classification: Uncertain significance for Trichorhinophalangeal dysplasia type I; Trichorhinophalangeal syndrome, type III. Last evaluated: 2021-07-30. Review status: criteria provided, single submitter. Criteria: ACMG Guidelines, 2015. Collection method: research. Allele origin: germline.